The following is an entry in ClinVar:

NM_000179.3(MSH6):c.3280T>G (p.Ser1094Ala)

Gene: MSH6 (mutS homolog 6; plus strand). Cytogenetic location: 2p16.3.
Variant type: single nucleotide variant.
Coding change: c.3280T>G on transcript NM_000179.3 (MANE Select); coding-DNA position 3280, T replaced by G.
Protein change: p.Ser1094Ala; replaces serine 1094 with alanine.
Molecular consequence: missense variant.
Genome position (GRCh38, 1-based): chr2:47,803,527, T>G. VCF-style: chr2-47803527-T-G. GRCh37 (hg19) VCF-style: chr2-48030666-T-G.
Other names: c.2890T>G, p.Ser964Ala (NM_001281492.2); c.2374T>G, p.Ser792Ala (NM_001281493.2, NM_001281494.2); short protein forms S1094A, S792A, S964A.
Identifiers: ClinVar variation 231078 (VCV000231078.13), dbSNP rs876658945, ClinGen allele CA10578138.

ClinVar aggregate classification (germline): Uncertain significance. Review status: criteria provided, multiple submitters, no conflicts (2 of 4 stars). 3 submissions from 3 submitters: Uncertain significance (3). Last evaluated 2023-12-18.

Conditions:
Hereditary nonpolyposis colorectal neoplasms. Identifiers: MedGen C0009405, MeSH D003123.
Hereditary cancer-predisposing syndrome. Also called: Neoplastic Syndromes, Hereditary; Tumor predisposition; Hereditary Cancer Syndrome; Hereditary neoplastic syndrome. Identifiers: Orphanet 140162, MedGen C0027672, MeSH D009386, MONDO:0015356.
Lynch syndrome. Identifiers: Orphanet 144, MedGen C4552100, MONDO:0005835. Disease mechanism: loss of function.

Submissions (3):

All of Us Research Program, National Institutes of Health
Classification: Uncertain significance for Lynch syndrome. Last evaluated: 2023-12-18. Review status: criteria provided, single submitter. Criteria: ACMG Guidelines, 2015. Collection method: clinical testing. Allele origin: germline. Inheritance: Autosomal dominant inheritance. Observed: 1 variant allele, 1 heterozygote.
Comment: This missense variant replaces serine with alanine at codon 1094 of the MSH6 protein. Computational prediction suggests that this variant may not impact protein structure and function (internally defined REVEL score threshold <= 0.5, PMID: 27666373). To our knowledge, functional studies have not been reported for this variant. This variant has not been reported in individuals affected with MSH6-related disorders in the literature. This variant has not been identified in the general population by the Genome Aggregation Database (gnomAD). The available evidence is insufficient to determine the role of this variant in disease conclusively. Therefore, this variant is classified as a Variant of Uncertain Significance.

This study involves interpretation of variants in research participants for the purpose of population health screening. Participant phenotype was not available at the time of variant classification. Additional details can be found in publication PMID: 35346344, PMCID: PMC8962531

Ambry Genetics
Classification: Uncertain significance for Hereditary cancer-predisposing syndrome. Last evaluated: 2023-03-17. Review status: criteria provided, single submitter. Criteria: Ambry Variant Classification Scheme 2023. Collection method: clinical testing. Allele origin: germline.
Comment: The p.S1094A variant (also known as c.3280T>G), located in coding exon 5 of the MSH6 gene, results from a T to G substitution at nucleotide position 3280. The serine at codon 1094 is replaced by alanine, an amino acid with similar properties. This amino acid position is well conserved in available vertebrate species. In addition, the in silico prediction for this alteration is inconclusive. Since supporting evidence is limited at this time, the clinical significance of this alteration remains unclear.

Labcorp Genetics (formerly Invitae), Labcorp
Classification: Uncertain significance for Hereditary nonpolyposis colorectal neoplasms. Last evaluated: 2022-10-08. Review status: criteria provided, single submitter. Criteria: Invitae Variant Classification Sherloc (09022015). Collection method: clinical testing. Allele origin: germline.
Comment: Advanced modeling of protein sequence and biophysical properties (such as structural, functional, and spatial information, amino acid conservation, physicochemical variation, residue mobility, and thermodynamic stability) performed at Invitae indicates that this missense variant is not expected to disrupt MSH6 protein function. ClinVar contains an entry for this variant (Variation ID: 231078). This variant has not been reported in the literature in individuals affected with MSH6-related conditions. This variant is not present in population databases (gnomAD no frequency). This sequence change replaces serine, which is neutral and polar, with alanine, which is neutral and non-polar, at codon 1094 of the MSH6 protein (p.Ser1094Ala). In summary, the available evidence is currently insufficient to determine the role of this variant in disease. Therefore, it has been classified as a Variant of Uncertain Significance.